The following is an entry in ClinVar:

NM_014254.3(RXYLT1):c.387A>G (p.Gln129=)

Gene: RXYLT1 (ribitol xylosyltransferase 1; plus strand). Cytogenetic location: 12q14.2.
Variant type: single nucleotide variant.
Coding change: c.387A>G on transcript NM_014254.3 (MANE Select); coding-DNA position 387, A replaced by G.
Protein change: p.Gln129=; no amino-acid change (glutamine 129 retained).
Molecular consequence: synonymous variant. On other transcripts: 5 prime UTR variant (1).
Genome position (GRCh38, 1-based): chr12:63,785,031, A>G. VCF-style: chr12-63785031-A-G. GRCh37 (hg19) VCF-style: chr12-64178811-A-G.
Other names: p.Gln129=; c.-394A>G (NM_001278237.2).
Identifiers: ClinVar variation 2852004 (VCV002852004.4), dbSNP rs199830732, ClinGen allele CA6666088.

ClinVar aggregate classification (germline): Likely benign. Review status: criteria provided, multiple submitters, no conflicts (2 of 4 stars). 2 submissions from 2 submitters: Likely benign (2). Last evaluated 2025-04-08.

Allele frequency attached by ClinVar (database versions not stated): gnomAD exomes 0.00001; ExAC 0.00002; gnomAD 0.00003; TOPMed 0.00004; 1000 Genomes Project 30x 0.00016; 1000 Genomes Project 0.00020.
gnomAD v4.1: 20 of 1,613,984 alleles (0.0012%); highest among the groups gnomAD compares: African/African-American, 0.0067%; no homozygotes.

Submissions (2):

Mayo Clinic Laboratories, Mayo Clinic
Classification: Likely benign. Last evaluated: 2025-04-08. Review status: criteria provided, single submitter. Criteria: ACMG Guidelines, 2015. Collection method: clinical testing. Allele origin: germline. Observed: 1 variant allele.
Comment: BP4, BP7

Labcorp Genetics (formerly Invitae), Labcorp
Classification: Likely benign. Last evaluated: 2023-11-27. Review status: criteria provided, single submitter. Criteria: Invitae Variant Classification Sherloc (09022015). Collection method: clinical testing. Allele origin: germline.